The following is an entry in ClinVar:

NM_018990.4(SASH3):c.1040G>A (p.Arg347His)

Gene: SASH3 (SAM and SH3 domain containing 3; plus strand). Cytogenetic location: Xq26.1.
Variant type: single nucleotide variant.
Coding change: c.1040G>A on transcript NM_018990.4 (MANE Select); coding-DNA position 1040, G replaced by A.
Protein change: p.Arg347His; replaces arginine 347 with histidine.
Molecular consequence: missense variant.
Genome position (GRCh38, 1-based): chrX:129,793,729, G>A. VCF-style: chrX-129793729-G-A. GRCh37 (hg19) VCF-style: chrX-128927705-G-A.
Other names: c.1040G>A (NM_018990.3); short protein forms R347H.
Identifiers: ClinVar variation 2412797 (VCV002412797.3), dbSNP rs1439129682, ClinGen allele CA414571628.

ClinVar aggregate classification (germline): Uncertain significance (1 of 4 stars; one submission).

Allele frequency attached by ClinVar (database versions not stated): gnomAD exomes below 0.00001; TOPMed below 0.00001; gnomAD 0.00002.
gnomAD v4.1: 5 of 1,210,880 alleles (0.00041%); highest among the groups gnomAD compares: Non-Finnish European, 0.00045%; no homozygotes.

Submission:

GeneDx
Classification: Uncertain significance. Last evaluated: 2023-04-20. Review status: criteria provided, single submitter. Criteria: GeneDx Variant Classification Process June 2021. Collection method: clinical testing. Allele origin: germline. Affected: yes.
Comment: Not observed at significant frequency in large population cohorts (gnomAD); In silico analysis supports that this missense variant has a deleterious effect on protein structure/function; Has not been previously published as pathogenic or benign to our knowledge; A different pathogenic missense change at this residue (p.R347C) has been reported in an individual with combined immunodeficiency and immune dysregulation in the published literature (PMID: 33876203)